The following is an entry in ClinVar:

ClinVar aggregate classification (germline): Pathogenic (1 of 4 stars; one submission).

Conditions:
Mucopolysaccharidosis type 7 (MPS7). Also called: MPS VII; BETA-GLUCURONIDASE DEFICIENCY; GUSB DEFICIENCY; SLY SYNDROME. Identifiers: Orphanet 584, MedGen C0085132, MONDO:0009662, OMIM 253220.

Submission:

Labcorp Genetics (formerly Invitae), Labcorp
Classification: Pathogenic for Mucopolysaccharidosis type 7. Last evaluated: 2025-07-31. Review status: criteria provided, single submitter. Criteria: Invitae Variant Classification Sherloc (09022015). Collection method: clinical testing. Allele origin: germline.
Comment: This sequence change creates a premature translational stop signal (p.Asn486Metfs*12) in the GUSB gene. It is expected to result in an absent or disrupted protein product. Loss-of-function variants in GUSB are known to be pathogenic (PMID: 19224584). This variant is present in population databases (no rsID available, gnomAD 0.008%). This premature translational stop signal has been observed in individual(s) with mucopolysaccharidosis type VII (PMID: 9099834). This variant is also known as 1480∆4. ClinVar contains an entry for this variant (Variation ID: 2735027). For these reasons, this variant has been classified as Pathogenic.

Literature cited by the submitters: PubMed 19224584; PubMed 9099834.

NM_000181.4(GUSB):c.1457_1460del (p.Asn486fs)

Gene: GUSB (glucuronidase beta; minus strand). Cytogenetic location: 7q11.21.
Variant type: Deletion.
Coding change: c.1457_1460del on transcript NM_000181.4 (MANE Select); coding-DNA positions 1457 to 1460, 4 bases deleted (ACTA; older notation c.1457_1460delACTA).
Protein change: p.Asn486fs; shifts the reading frame from asparagine 486.
Molecular consequence: frameshift variant.
Genome position (GRCh38, 1-based): chr7:65,970,298-65,970,301, TAGT deleted on the plus strand (ACTA on the coding strand, the reverse complement: GUSB is on the minus strand); deleting any 4 consecutive bases within chr7:65,970,298-65,970,304 gives the same sequence; the c. name uses the placement nearest the transcript's 3' end. VCF-style (leftmost placement, unchanged base first): chr7-65970297-ATAGT-A. GRCh37 (hg19) VCF-style: chr7-65435284-ATAGT-A.
Other names: c.1019_1022del, p.Asn340fs (NM_001284290.2); c.887_890del, p.Asn296fs (NM_001293104.2); c.800_803del, p.Asn267fs (NM_001293105.2); short protein forms N340fs, N267fs, N486fs, N296fs.
Identifiers: ClinVar variation 2735027 (VCV002735027.3), dbSNP rs1562678869, ClinGen allele CA574855992.